The following is an entry in ClinVar:

ClinVar aggregate classification (germline): Conflicting classifications of pathogenicity. Review status: criteria provided, conflicting classifications (1 of 4 stars). 7 submissions from 7 submitters: Uncertain significance (6); Likely benign (1). Last evaluated 2025-12-24.

Conditions:
Cardiovascular phenotype. Identifiers: MedGen CN230736.
Naxos disease (NXD). Also called: MAL DE NAXOS; KERATOSIS PALMOPLANTARIS WITH ARRHYTHMOGENIC CARDIOMYOPATHY; CARDIOMYOPATHY, ARRHYTHMOGENIC RIGHT VENTRICULAR, WITH SKIN, HAIR, AND NAIL ABNORMALITIES; PALMOPLANTAR KERATODERMA WITH ARRHYTHMOGENIC RIGHT VENTRICULAR CARDIOMYOPATHY AND WOOLLY HAIR; WOOLLY HAIR, PALMOPLANTAR KERATODERMA, AND CARDIAC ABNORMALITIES. Identifiers: Orphanet 34217, MedGen C1832600, MONDO:0011017, OMIM 601214.
Arrhythmogenic right ventricular dysplasia 12. Also called: ARRHYTHMOGENIC RIGHT VENTRICULAR DYSPLASIA, FAMILIAL, 12. Identifiers: MedGen C1969081, MONDO:0012684, OMIM 611528.
Conduction disorder of the heart. Also called: Cardiac conduction defect. Identifiers: Orphanet 871, MedGen C0264886, MONDO:0100042, OMIM 115080.

Allele frequency attached by ClinVar (database versions not stated): gnomAD exomes 0.00005 and 0.00002; TOPMed 0.00005; ESP Exome Variant Server 0.00008; ExAC 0.00002; gnomAD 0.00005.
gnomAD v4.1: 78 of 1,612,864 alleles (0.0048%); highest among the groups gnomAD compares: African/African-American, 0.008%; no homozygotes.

Submissions (7):

Labcorp Genetics (formerly Invitae), Labcorp
Classification: Uncertain significance for Arrhythmogenic right ventricular dysplasia 12; Naxos disease. Last evaluated: 2025-12-24. Review status: criteria provided, single submitter. Criteria: Invitae Variant Classification Sherloc (09022015). Collection method: clinical testing. Allele origin: germline.
Comment: This sequence change replaces glutamic acid, which is acidic and polar, with lysine, which is basic and polar, at codon 138 of the JUP protein (p.Glu138Lys). This variant is present in population databases (rs150245906, gnomAD 0.008%). This missense change has been observed in individual(s) with clinical features of JUP-related conditions (PMID: 27532257, 30847666). ClinVar contains an entry for this variant (Variation ID: 632865). An algorithm developed to predict the effect of missense changes on protein structure and function (PolyPhen-2) suggests that this variant is likely to be disruptive. In summary, the available evidence is currently insufficient to determine the role of this variant in disease. Therefore, it has been classified as a Variant of Uncertain Significance.

Clinical Genetics Laboratory, Skane University Hospital Lund
Classification: Uncertain significance. Last evaluated: 2022-05-27. Review status: criteria provided, single submitter. Criteria: ACMG Guidelines, 2015. Collection method: clinical testing. Allele origin: germline. Affected: yes.

Ambry Genetics
Classification: Likely benign for Cardiovascular phenotype. Last evaluated: 2022-03-24. Review status: criteria provided, single submitter. Criteria: Ambry Variant Classification Scheme 2023. Collection method: clinical testing. Allele origin: germline.

Fulgent Genetics
Classification: Uncertain significance for Naxos disease; Arrhythmogenic right ventricular dysplasia 12. Last evaluated: 2021-07-28. Review status: criteria provided, single submitter. Criteria: ACMG Guidelines, 2015. Collection method: clinical testing. Allele origin: unknown.

GeneDx
Classification: Uncertain significance. Last evaluated: 2019-07-23. Review status: criteria provided, single submitter. Criteria: GeneDx Variant Classification Process June 2021. Collection method: clinical testing. Allele origin: germline. Affected: yes.
Comment: In silico analysis, which includes protein predictors and evolutionary conservation, supports a deleterious effect; Has not been previously published as pathogenic or benign to our knowledge; This variant is associated with the following publications: (PMID: 31402444, 30847666, 27532257)

Molecular Diagnostic Laboratory for Inherited Cardiovascular Disease, Montreal Heart Institute
Classification: Uncertain significance for Conduction disorder of the heart. Last evaluated: 2019-07-03. Review status: criteria provided, single submitter. Criteria: ACMG Guidelines, 2015. Collection method: clinical testing. Allele origin: germline. Affected: yes.

Women's Health and Genetics/Laboratory Corporation of America, LabCorp
Classification: Uncertain significance. Last evaluated: 2018-09-04. Review status: criteria provided, single submitter. Criteria: LabCorp Variant Classification Summary - May 2015. Collection method: clinical testing. Allele origin: germline.
Comment: Variant summary: JUP c.412G>A (p.Glu138Lys) results in a conservative amino acid change located in the Armadillo domain of the encoded protein sequence. Three of five in-silico tools predict a damaging effect of the variant on protein function. The variant allele was found at a frequency of 3.3e-05 in 272734 control chromosomes (gnomAD). The available data on variant occurrences in the general population are insufficient to allow any conclusion about variant significance. c.412G>A has been reported in the literature, without strong evidence for causality (Walsh_2016). To our knowledge, no experimental evidence demonstrating an impact on protein function has been reported. No clinical diagnostic laboratories have submitted clinical-significance assessments for this variant to ClinVar after 2014. Based on the evidence outlined above, the variant was classified as uncertain significance.

Literature cited by the submitters: PubMed 27532257 (cited by 3 submitters); PubMed 30847666 (cited by Labcorp Genetics (formerly Invitae), Labcorp).

NM_002230.4(JUP):c.412G>A (p.Glu138Lys)

Gene: JUP (junction plakoglobin; minus strand). Cytogenetic location: 17q21.2.
Variant type: single nucleotide variant.
Coding change: c.412G>A on transcript NM_002230.4 (MANE Select); coding-DNA position 412, G replaced by A.
Protein change: p.Glu138Lys; replaces glutamic acid 138 with lysine.
Molecular consequence: missense variant.
Genome position (GRCh38, 1-based): chr17:41,769,474, C>T on the plus strand (G>A on the coding strand, the complement: JUP is on the minus strand). VCF-style: chr17-41769474-C-T. GRCh37 (hg19) VCF-style: chr17-39925726-C-T.
Other names: c.412G>A, p.Glu138Lys (NM_001352773.2, NM_001352774.2, NM_001352775.2 and 3 more transcripts); short protein forms E138K.
Identifiers: ClinVar variation 632865 (VCV000632865.18), dbSNP rs150245906, ClinGen allele CA8565503.